The following is an entry in ClinVar:

ClinVar aggregate classification (germline): Uncertain significance (1 of 4 stars; one submission).

Allele frequency attached by ClinVar (database versions not stated): gnomAD 0.00001; TOPMed 0.00001.
gnomAD v4.1: 1 of 1,551,742 alleles (0.000064%); highest among the groups gnomAD compares: African/African-American, 0.0014%; no homozygotes.

Submission:

Labcorp Genetics (formerly Invitae), Labcorp
Classification: Uncertain significance. Last evaluated: 2025-11-16. Review status: criteria provided, single submitter. Criteria: Invitae Variant Classification Sherloc (09022015). Collection method: clinical testing. Allele origin: germline.
Comment: This sequence change falls in intron 10 of the CACNA1D gene. It does not directly change the encoded amino acid sequence of the CACNA1D protein. It affects a nucleotide within the consensus splice site. This variant is not present in population databases (gnomAD no frequency). This variant has not been reported in the literature in individuals affected with CACNA1D-related conditions. ClinVar contains an entry for this variant (Variation ID: 1397075). Variants that disrupt the consensus splice site are a relatively common cause of aberrant splicing (PMID: 17576681, 9536098). Algorithms developed to predict the effect of sequence changes on RNA splicing suggest that this variant is not likely to affect RNA splicing. In summary, the available evidence is currently insufficient to determine the role of this variant in disease. Therefore, it has been classified as a Variant of Uncertain Significance.

Literature cited by the submitters: PubMed 17576681; PubMed 9536098.

NM_001128840.3(CACNA1D):c.1478+291T>C

Gene: CACNA1D (calcium voltage-gated channel subunit alpha1 D; plus strand). Cytogenetic location: 3p21.1.
Variant type: single nucleotide variant.
Coding change: c.1478+291T>C on transcript NM_001128840.3 (MANE Select); 291 bases into the intron after coding-DNA position 1478, T replaced by C.
Molecular consequence: intron variant.
Genome position (GRCh38, 1-based): chr3:53,718,679, T>C. VCF-style: chr3-53718679-T-C. GRCh37 (hg19) VCF-style: chr3-53752706-T-C.
Other names: c.1478+291T>C (NM_001128839.3); c.1479-3T>C (NM_000720.4).
Identifiers: ClinVar variation 1397075 (VCV001397075.6), dbSNP rs2094848064, ClinGen allele CA1048069281.
Genomic context (GRCh38, chr3:53,718,679, plus strand): 5'-TTCCTGTAAGTAGAGCCCGTGAAGAATGTGGTGGTTAACCTGGCCACCTGCTGTGTCCAT[T>C]AGGTGCTGGTGGAGACGGAGAGGCGCGGCCAAGGCGGGGCCCTCTGGGTGTCGGCGGTGG-3'